The following is an entry in ClinVar:

NM_144596.4(TTC8):c.62A>T (p.Gln21Leu)

Gene: TTC8 (tetratricopeptide repeat domain 8; plus strand). Cytogenetic location: 14q31.3.
Variant type: single nucleotide variant.
Coding change: c.62A>T on transcript NM_144596.4 (MANE Select); coding-DNA position 62, A replaced by T.
Protein change: p.Gln21Leu; replaces glutamine 21 with leucine.
Molecular consequence: missense variant. On other transcripts: 5 prime UTR variant (2), non-coding transcript variant (1).
Genome position (GRCh38, 1-based): chr14:88,824,769, A>T. VCF-style: chr14-88824769-A-T. GRCh37 (hg19) VCF-style: chr14-89291113-A-T.
Other names: c.62A>T, p.Gln21Leu (NM_001288781.1, NM_001366535.2, NM_001366536.2 and 2 more transcripts); c.-501A>T (NM_001288782.1); c.-596A>T (NM_001288783.1); short protein forms Q21L.
Identifiers: ClinVar variation 1494846 (VCV001494846.9), dbSNP rs2094690662, ClinGen allele CA390567751.

ClinVar aggregate classification (germline): Uncertain significance. Review status: criteria provided, multiple submitters, no conflicts (2 of 4 stars). 2 submissions from 2 submitters: Uncertain significance (2). Last evaluated 2023-12-21.

Conditions:
Retinitis pigmentosa 51 (RP51). Identifiers: Orphanet 791, MedGen C3150715, MONDO:0013274, OMIM 613464.
Bardet-Biedl syndrome 8 (BBS8). Identifiers: Orphanet 110, MedGen C1859566, MONDO:0014436, OMIM 615985.
Bardet-Biedl syndrome (BBS). Identifiers: Orphanet 110, MedGen C0752166, MONDO:0015229.

Allele frequency attached by ClinVar (database versions not stated): TOPMed below 0.00001; gnomAD exomes 0.00001.
gnomAD v4.1: 3 of 1,613,300 alleles (0.00019%); highest among the groups gnomAD compares: Non-Finnish European, 0.00025%; no homozygotes.

Submissions (2):

Fulgent Genetics
Classification: Uncertain significance for Retinitis pigmentosa 51; Bardet-Biedl syndrome 8. Last evaluated: 2023-12-21. Review status: criteria provided, single submitter. Criteria: ACMG Guidelines, 2015. Collection method: clinical testing. Allele origin: germline.

Labcorp Genetics (formerly Invitae), Labcorp
Classification: Uncertain significance for Bardet-Biedl syndrome. Last evaluated: 2022-12-02. Review status: criteria provided, single submitter. Criteria: Invitae Variant Classification Sherloc (09022015). Collection method: clinical testing. Allele origin: germline.
Comment: In summary, the available evidence is currently insufficient to determine the role of this variant in disease. Therefore, it has been classified as a Variant of Uncertain Significance. Advanced modeling of protein sequence and biophysical properties (such as structural, functional, and spatial information, amino acid conservation, physicochemical variation, residue mobility, and thermodynamic stability) performed at Invitae indicates that this missense variant is not expected to disrupt TTC8 protein function. ClinVar contains an entry for this variant (Variation ID: 1494846). This variant has not been reported in the literature in individuals affected with TTC8-related conditions. This variant is not present in population databases (gnomAD no frequency). This sequence change replaces glutamine, which is neutral and polar, with leucine, which is neutral and non-polar, at codon 21 of the TTC8 protein (p.Gln21Leu).